The following is an entry in ClinVar:

ClinVar aggregate classification (germline): Uncertain significance (1 of 4 stars; one submission).

Conditions:
Hereditary cancer-predisposing syndrome. Also called: Hereditary Cancer Syndrome; Hereditary neoplastic syndrome; Neoplastic Syndromes, Hereditary; Tumor predisposition. Identifiers: Orphanet 140162, MedGen C0027672, MeSH D009386, MONDO:0015356.

Submission:

Ambry Genetics
Classification: Uncertain significance for Hereditary cancer-predisposing syndrome. Last evaluated: 2020-05-28. Review status: criteria provided, single submitter. Criteria: Ambry Variant Classification Scheme 2023. Collection method: clinical testing. Allele origin: germline.
Comment: The p.T195N variant (also known as c.584C>A), located in coding exon 3 of the PHOX2B gene, results from a C to A substitution at nucleotide position 584. The threonine at codon 195 is replaced by asparagine, an amino acid with similar properties. This amino acid position is highly conserved in available vertebrate species. In addition, this alteration is predicted to be tolerated by in silico analysis. Since supporting evidence is limited at this time, the clinical significance of this alteration remains unclear.

NM_003924.4(PHOX2B):c.584C>A (p.Thr195Asn)

Gene: PHOX2B (paired like homeobox 2B; minus strand). Cytogenetic location: 4p13.
Variant type: single nucleotide variant.
Coding change: c.584C>A on transcript NM_003924.4 (MANE Select); coding-DNA position 584, C replaced by A.
Protein change: p.Thr195Asn; replaces threonine 195 with asparagine.
Molecular consequence: missense variant.
Genome position (GRCh38, 1-based): chr4:41,746,168, G>T on the plus strand (C>A on the coding strand, the complement: PHOX2B is on the minus strand). VCF-style: chr4-41746168-G-T. GRCh37 (hg19) VCF-style: chr4-41748185-G-T.
Other names: short protein forms T195N.
Identifiers: ClinVar variation 1750058 (VCV001750058.2), dbSNP rs2552096874, ClinGen allele CA356737887.